The following is an entry in ClinVar:

NM_006070.6(TFG):c.880C>A (p.Gln294Lys)

Gene: TFG (trafficking from ER to golgi regulator; plus strand). Cytogenetic location: 3q12.2.
Variant type: single nucleotide variant.
Coding change: c.880C>A on transcript NM_006070.6 (MANE Select); coding-DNA position 880, C replaced by A.
Protein change: p.Gln294Lys; replaces glutamine 294 with lysine.
Molecular consequence: missense variant.
Genome position (GRCh38, 1-based): chr3:100,748,208, C>A. VCF-style: chr3-100748208-C-A. GRCh37 (hg19) VCF-style: chr3-100467052-C-A.
Other names: c.880C>A, p.Gln294Lys (NM_001007565.2, NM_001195478.2); c.868C>A, p.Gln290Lys (NM_001195479.2); short protein forms Q294K, Q290K.
Identifiers: ClinVar variation 2944080 (VCV002944080.3), dbSNP rs763995407, ClinGen allele CA2517223.

ClinVar aggregate classification (germline): Uncertain significance (1 of 4 stars; one submission).

Conditions:
Hereditary motor and sensory neuropathy, Okinawa type (HMSNO). Also called: HEREDITARY MOTOR AND SENSORY NEUROPATHY, PROXIMAL TYPE. Identifiers: Orphanet 90117, MedGen C1858338, MONDO:0011468, OMIM 604484.
Hereditary spastic paraplegia 57. Also called: Spastic paraplegia 57, autosomal recessive. Identifiers: Orphanet 431329, MedGen C3714897, MONDO:0014295, OMIM 615658.

Allele frequency attached by ClinVar (database versions not stated): gnomAD exomes below 0.00001; TOPMed below 0.00001; ExAC 0.00001; gnomAD 0.00001.
gnomAD v4.1: 4 of 1,614,016 alleles (0.00025%); highest among the groups gnomAD compares: African/African-American, 0.0013%; no homozygotes.

Submission:

Labcorp Genetics (formerly Invitae), Labcorp
Classification: Uncertain significance for Hereditary motor and sensory neuropathy, Okinawa type; Hereditary spastic paraplegia 57. Last evaluated: 2023-10-11. Review status: criteria provided, single submitter. Criteria: Invitae Variant Classification Sherloc (09022015). Collection method: clinical testing. Allele origin: germline.
Comment: This sequence change replaces glutamine, which is neutral and polar, with lysine, which is basic and polar, at codon 294 of the TFG protein (p.Gln294Lys). The frequency data for this variant in the population databases is considered unreliable, as metrics indicate poor data quality at this position in the gnomAD database. This variant has not been reported in the literature in individuals affected with TFG-related conditions. Advanced modeling of protein sequence and biophysical properties (such as structural, functional, and spatial information, amino acid conservation, physicochemical variation, residue mobility, and thermodynamic stability) performed at Invitae indicates that this missense variant is not expected to disrupt TFG protein function. In summary, the available evidence is currently insufficient to determine the role of this variant in disease. Therefore, it has been classified as a Variant of Uncertain Significance.